The following is an entry in ClinVar:

ClinVar aggregate classification (germline): Likely benign (1 of 4 stars; one submission).

Submission:

CeGaT Center for Human Genetics Tuebingen
Classification: Likely benign. Last evaluated: 2025-05-01. Review status: criteria provided, single submitter. Criteria: CeGaT Center For Human Genetics Tuebingen Variant Classification Criteria Version 2. Collection method: clinical testing. Allele origin: germline. Affected: yes. Observed: 1 variant allele.
Comment: ERVV-1: BP4, BP7

NM_152473.3(ERVV-1):c.525A>G (p.Arg175=)

Gene: ERVV-1 (endogenous retrovirus group V member 1, envelope; plus strand). Cytogenetic location: 19q13.41.
Variant type: single nucleotide variant.
Coding change: c.525A>G on transcript NM_152473.3 (MANE Select); coding-DNA position 525, A replaced by G.
Protein change: p.Arg175=; no amino-acid change (arginine 175 retained).
Molecular consequence: synonymous variant.
Genome position (GRCh38, 1-based): chr19:53,014,615, A>G. VCF-style: chr19-53014615-A-G. GRCh37 (hg19) VCF-style: chr19-53517868-A-G.
Identifiers: ClinVar variation 3905911 (VCV003905911.10).